The following is an entry in ClinVar:

ClinVar aggregate classification (germline): Uncertain significance. Review status: criteria provided, multiple submitters, no conflicts (2 of 4 stars). 2 submissions from 2 submitters: Uncertain significance (2). Last evaluated 2023-11-21.

Allele frequency attached by ClinVar (database versions not stated): gnomAD exomes 0.00001; TOPMed 0.00002; gnomAD 0.00003.
gnomAD v4.1: 19 of 1,596,006 alleles (0.0012%); highest among the groups gnomAD compares: Non-Finnish European, 0.0016%; no homozygotes.

Submissions (2):

Blueprint Genetics
Classification: Uncertain significance. Last evaluated: 2023-11-21. Review status: criteria provided, single submitter. Criteria: ACMG Guidelines, 2015. Collection method: clinical testing. Allele origin: germline.

Labcorp Genetics (formerly Invitae), Labcorp
Classification: Uncertain significance. Last evaluated: 2023-07-17. Review status: criteria provided, single submitter. Criteria: Invitae Variant Classification Sherloc (09022015). Collection method: clinical testing. Allele origin: germline.
Comment: An algorithm developed to predict the effect of missense changes on protein structure and function (PolyPhen-2) suggests that this variant is likely to be disruptive. In summary, the available evidence is currently insufficient to determine the role of this variant in disease. Therefore, it has been classified as a Variant of Uncertain Significance. ClinVar contains an entry for this variant (Variation ID: 2173813). This variant has not been reported in the literature in individuals affected with AP3B2-related conditions. The frequency data for this variant in the population databases is considered unreliable, as metrics indicate poor data quality at this position in the gnomAD database. This sequence change replaces threonine, which is neutral and polar, with methionine, which is neutral and non-polar, at codon 688 of the AP3B2 protein (p.Thr688Met).

NM_001278512.2(AP3B2):c.2120C>T (p.Thr707Met)

Genes: AP3B2 (adaptor related protein complex 3 subunit beta 2; minus strand), CPEB1-AS1 (CPEB1 antisense RNA 1; plus strand). Cytogenetic location: 15q25.2.
Variant type: single nucleotide variant.
Coding change: c.2120C>T on transcript NM_001278512.2 (MANE Select); coding-DNA position 2120, C replaced by T.
Protein change: p.Thr707Met; replaces threonine 707 with methionine.
Molecular consequence: missense variant.
Genome position (GRCh38, 1-based): chr15:82,664,852, G>A on the plus strand (C>T on the coding strand, the complement: AP3B2 is on the minus strand). VCF-style: chr15-82664852-G-A. GRCh37 (hg19) VCF-style: chr15-83333604-G-A.
Other names: c.1967C>T, p.Thr656Met (NM_001278511.2); c.2063C>T, p.Thr688Met (NM_004644.5); short protein forms T688M, T656M, T707M.
Identifiers: ClinVar variation 2173813 (VCV002173813.4), dbSNP rs1468716786, ClinGen allele CA393312130.